The following is an entry in ClinVar:

NM_001171.6(ABCC6):c.2248G>A (p.Gly750Ser)

Gene: ABCC6 (ATP binding cassette subfamily C member 6; minus strand). Cytogenetic location: 16p13.11.
Variant type: single nucleotide variant.
Coding change: c.2248G>A on transcript NM_001171.6 (MANE Select); coding-DNA position 2248, G replaced by A.
Protein change: p.Gly750Ser; replaces glycine 750 with serine.
Molecular consequence: missense variant. On other transcripts: non-coding transcript variant (1).
Genome position (GRCh38, 1-based): chr16:16,178,965, C>T on the plus strand (G>A on the coding strand, the complement: ABCC6 is on the minus strand). VCF-style: chr16-16178965-C-T. GRCh37 (hg19) VCF-style: chr16-16272822-C-T.
Other names: c.1906G>A, p.Gly636Ser (NM_001351800.1); short protein forms G750S, G636S.
Identifiers: ClinVar variation 433217 (VCV000433217.9), dbSNP rs1192373126, ClinGen allele CA394888204.

ClinVar aggregate classification (germline): Uncertain significance. Review status: criteria provided, single submitter (1 of 4 stars). 2 submissions from 2 submitters: Uncertain significance (1). 1 of the submissions does not count toward it. Last evaluated 2025-02-17.

Conditions:
Autosomal recessive inherited pseudoxanthoma elasticum (PXE). Identifiers: Orphanet 758, MedGen CN032334, MONDO:0009925, OMIM 264800.

Allele frequency attached by ClinVar (database versions not stated): gnomAD exomes below 0.00001 and 0.00001; gnomAD 0.00001.
gnomAD v4.1: 23 of 1,612,144 alleles (0.0014%); highest among the groups gnomAD compares: Non-Finnish European, 0.0017%; no homozygotes.

Submissions (2):

Labcorp Genetics (formerly Invitae), Labcorp
Classification: Uncertain significance. Last evaluated: 2025-02-17. Review status: criteria provided, single submitter. Criteria: Invitae Variant Classification Sherloc (09022015). Collection method: clinical testing. Allele origin: germline.
Comment: This sequence change replaces glycine, which is neutral and non-polar, with serine, which is neutral and polar, at codon 750 of the ABCC6 protein (p.Gly750Ser). This variant is present in population databases (no rsID available, gnomAD 0.0009%). This missense change has been observed in individual(s) with pseudoxanthoma elasticum (PMID: 34906475). ClinVar contains an entry for this variant (Variation ID: 433217). An algorithm developed to predict the effect of missense changes on protein structure and function (PolyPhen-2) suggests that this variant is likely to be disruptive. In summary, the available evidence is currently insufficient to determine the role of this variant in disease. Therefore, it has been classified as a Variant of Uncertain Significance.

PXE International
Classification: Uncertain significance for Autosomal recessive inherited pseudoxanthoma elasticum. Last evaluated: 2021-02-04. Review status: no assertion criteria provided. Collection method: research. Allele origin: germline. Inheritance: Autosomal recessive inheritance. Affected: yes. Observed: 1 variant allele. Not counted in ClinVar's aggregate classification.

Literature cited by the submitters: PubMed 34906475 (cited by Labcorp Genetics (formerly Invitae), Labcorp); PubMed 32873932 (cited by PXE International).